The following is an entry in ClinVar:

ClinVar aggregate classification (germline): Uncertain significance. Review status: criteria provided, multiple submitters, no conflicts (2 of 4 stars). 2 submissions from 2 submitters: Uncertain significance (2). Last evaluated 2024-09-10.

Conditions:
Agammaglobulinemia 2, autosomal recessive (AGM2). Also called: AGAMMAGLOBULINEMIA, AUTOSOMAL RECESSIVE, DUE TO IGLL1 DEFECT. Identifiers: MedGen C3150750, MONDO:0013287, OMIM 613500.

Allele frequency attached by ClinVar (database versions not stated): gnomAD 0.00001; gnomAD exomes 0.00001 and 0.00002; TOPMed 0.00001; ExAC 0.00002.
gnomAD v4.1: 40 of 1,613,980 alleles (0.0025%); highest among the groups gnomAD compares: Non-Finnish European, 0.0031%; no homozygotes.

Submissions (2):

Labcorp Genetics (formerly Invitae), Labcorp
Classification: Uncertain significance for Agammaglobulinemia 2, autosomal recessive. Last evaluated: 2024-09-10. Review status: criteria provided, single submitter. Criteria: Invitae Variant Classification Sherloc (09022015). Collection method: clinical testing. Allele origin: germline.
Comment: This sequence change replaces threonine, which is neutral and polar, with methionine, which is neutral and non-polar, at codon 206 of the IGLL1 protein (p.Thr206Met). This variant is present in population databases (rs758735353, gnomAD 0.002%). This variant has not been reported in the literature in individuals affected with IGLL1-related conditions. ClinVar contains an entry for this variant (Variation ID: 1057687). An algorithm developed to predict the effect of missense changes on protein structure and function (PolyPhen-2) suggests that this variant is likely to be disruptive. In summary, the available evidence is currently insufficient to determine the role of this variant in disease. Therefore, it has been classified as a Variant of Uncertain Significance.

Blueprint Genetics
Classification: Uncertain significance. Last evaluated: 2023-12-27. Review status: criteria provided, single submitter. Criteria: ACMG Guidelines, 2015. Collection method: clinical testing. Allele origin: germline.

NM_020070.4(IGLL1):c.617C>T (p.Thr206Met)

Gene: IGLL1 (immunoglobulin lambda like polypeptide 1; minus strand). Cytogenetic location: 22q11.23.
Variant type: single nucleotide variant.
Coding change: c.617C>T on transcript NM_020070.4 (MANE Select); coding-DNA position 617, C replaced by T.
Protein change: p.Thr206Met; replaces threonine 206 with methionine.
Molecular consequence: missense variant. On other transcripts: 3 prime UTR variant (1).
Genome position (GRCh38, 1-based): chr22:23,573,291, G>A on the plus strand (C>T on the coding strand, the complement: IGLL1 is on the minus strand). VCF-style: chr22-23573291-G-A. GRCh37 (hg19) VCF-style: chr22-23915478-G-A.
Other names: c.620C>T, p.Thr207Met (NM_001369906.1); c.*246C>T (NM_152855.3); short protein forms T206M, T207M.
Identifiers: ClinVar variation 1057687 (VCV001057687.10), dbSNP rs758735353, ClinGen allele CA10143205.